The following is an entry in ClinVar:

ClinVar aggregate classification (germline): Benign. Review status: criteria provided, multiple submitters, no conflicts (2 of 4 stars). 2 submissions from 2 submitters: Benign (2). Last evaluated 2018-06-16.

Allele frequency attached by ClinVar (database versions not stated): gnomAD 0.04822 and 0.04487; 1000 Genomes Project 0.04952; 1000 Genomes Project 30x 0.05309; ESP Exome Variant Server 0.04366; gnomAD exomes 0.01032; ExAC 0.01504; TOPMed 0.05107.
gnomAD v4.1: 13,332 of 1,607,166 alleles (0.83%); highest among the groups gnomAD compares: African/African-American, 16%; 992 homozygotes.

Submissions (2):

GeneDx
Classification: Benign. Last evaluated: 2018-06-16. Review status: criteria provided, single submitter. Criteria: GeneDx Variant Classification (06012015). Collection method: clinical testing. Allele origin: germline. Affected: yes.
Comment: This variant is considered likely benign or benign based on one or more of the following criteria: it is a conservative change, it occurs at a poorly conserved position in the protein, it is predicted to be benign by multiple in silico algorithms, and/or has population frequency not consistent with disease.

Breakthrough Genomics
Classification: Benign. Review status: criteria provided, single submitter. Criteria: ACMG Guidelines, 2015. Collection method: not provided. Allele origin: germline. Inheritance: Autosomal recessive inheritance. Affected: yes.

NM_201378.4(PLEC):c.71-15012C>G

Gene: PLEC (plectin; minus strand). Cytogenetic location: 8q24.3.
Variant type: single nucleotide variant.
Coding change: c.71-15012C>G on transcript NM_201378.4 (MANE Plus Clinical); 15012 bases into the intron before coding-DNA position 71, C replaced by G.
Molecular consequence: intron variant.
Genome position (GRCh38, 1-based): chr8:143,953,704, G>C on the plus strand (C>G on the coding strand, the complement: PLEC is on the minus strand). VCF-style: chr8-143953704-G-C. GRCh37 (hg19) VCF-style: chr8-145027872-G-C.
Other names: c.194-15012C>G (NM_001410941.1, NM_000445.5); c.46+22C>G (NM_201379.3).
Identifiers: ClinVar variation 673015 (VCV000673015.4), dbSNP rs61467040, ClinGen allele CA4929072.